The following is an entry in ClinVar:

NM_001318525.2(TRAPPC2L):c.225C>T (p.Asn75=)

Gene: TRAPPC2L (trafficking protein particle complex subunit 2L; plus strand). Cytogenetic location: 16q24.3.
Variant type: single nucleotide variant.
Coding change: c.225C>T on transcript NM_001318525.2 (MANE Select); coding-DNA position 225, C replaced by T.
Protein change: p.Asn75=; no amino-acid change (asparagine 75 retained).
Molecular consequence: synonymous variant. On other transcripts: non-coding transcript variant (2).
Genome position (GRCh38, 1-based): chr16:88,859,681, C>T. VCF-style: chr16-88859681-C-T. GRCh37 (hg19) VCF-style: chr16-88926089-C-T.
Other names: c.225C>T, p.Asn75= (NM_001318524.2, NM_016209.5); c.195C>T, p.Asn65= (NM_001318526.2); c.132C>T, p.Asn44= (NM_001318527.2, NM_001318529.2, NM_001318532.2); c.135C>T, p.Asn45= (NM_001318528.2, NM_001318530.2).
Identifiers: ClinVar variation 3057015 (VCV003057015.2), dbSNP rs71395334, ClinGen allele CA8235630.
Genomic context (GRCh38, chr16:88,859,681, plus strand): 5'-CAGTCCCTGTGTTACGAGTGCCTTCCCTAACCAGCTGTGCAGATACGGCTACGTCACCAA[C>T]TCCAAGGTGAAGTTTGTCATGGTGGTAGATTCCTCCAACACAGCCCTTCGAGACAACGAA-3'
Protein context (NP_001305454.1, residues 65-85): EDYKVYGYVT[Asn75=]SKVKFVMVVD

ClinVar aggregate classification (germline): Benign (0 of 4 stars; one submission).

Conditions:
TRAPPC2L-related disorder. Also called: TRAPPC2L-related condition.

Allele frequency attached by ClinVar (database versions not stated): ESP Exome Variant Server 0.01685; TOPMed 0.01689; gnomAD 0.01759; gnomAD exomes 0.02364; ExAC 0.02505; 1000 Genomes Project 30x 0.02686; 1000 Genomes Project 0.02796.
gnomAD v4.1: 37,262 of 1,613,856 alleles (2.3%); highest among the groups gnomAD compares: East Asian, 6.6%; 569 homozygotes.

Submission:

PreventionGenetics, part of Exact Sciences
Classification: Benign for TRAPPC2L-related condition. Last evaluated: 2019-07-09. Review status: no assertion criteria provided. Collection method: clinical testing. Allele origin: germline.
Comment: This variant is classified as benign based on ACMG/AMP sequence variant interpretation guidelines (Richards et al. 2015 PMID: 25741868, with internal and published modifications).